The following is an entry in ClinVar:

ClinVar aggregate classification (germline): Benign/Likely benign. Review status: criteria provided, multiple submitters, no conflicts (2 of 4 stars). 4 submissions from 4 submitters: Benign (1); Likely benign (2). 1 of the submissions does not count toward it. Last evaluated 2026-01-28.

Conditions:
Sphingolipid activator protein 1 deficiency. Also called: Metachromatic leukodystrophy due to saposin B deficiency; Saposin B Deficiency; METACHROMATIC LEUKODYSTROPHY DUE TO CEREBROSIDE SULFATASE ACTIVATOR DEFICIENCY. Identifiers: Orphanet 512, MedGen C0268262, MONDO:0009590, OMIM 249900.
Inborn genetic diseases. Identifiers: MedGen C0950123, MeSH D030342.
Metachromatic leukodystrophy (MLD). Also called: ARSA DEFICIENCY; CEREBROSIDE SULFATASE DEFICIENCY; Cerebral sclerosis diffuse metachromatic form; Arylsulfatase A Deficiency; SULFATIDE LIPIDOSIS; METACHROMATIC LEUKOENCEPHALOPATHY. Identifiers: Orphanet 512, MedGen C0023522, MONDO:0018868, OMIM 250100.

Allele frequency attached by ClinVar (database versions not stated): gnomAD 0.00001 and 0.00011; TOPMed 0.00003; gnomAD exomes 0.00030 and 0.00061; 1000 Genomes Project 30x 0.00031; 1000 Genomes Project 0.00040; ExAC 0.00063.

Submissions (4):

Labcorp Genetics (formerly Invitae), Labcorp
Classification: Benign for Sphingolipid activator protein 1 deficiency. Last evaluated: 2026-01-28. Review status: criteria provided, single submitter. Criteria: Invitae Variant Classification Sherloc (09022015). Collection method: clinical testing. Allele origin: germline.

CeGaT Center for Human Genetics Tuebingen
Classification: Likely benign. Last evaluated: 2025-04-01. Review status: criteria provided, single submitter. Criteria: CeGaT Center For Human Genetics Tuebingen Variant Classification Criteria Version 2. Collection method: clinical testing. Allele origin: germline. Affected: yes. Observed: 2 variant alleles.
Comment: PSAP: BP4, BS2

Ambry Genetics
Classification: Likely benign for Inborn genetic diseases. Last evaluated: 2022-12-05. Review status: criteria provided, single submitter. Criteria: Ambry Variant Classification Scheme 2023. Collection method: clinical testing. Allele origin: germline.

Natera, Inc.
Classification: Benign for Metachromatic leukodystrophy. Last evaluated: 2020-01-16. Review status: no assertion criteria provided. Collection method: clinical testing. Allele origin: germline. Not counted in ClinVar's aggregate classification.

NM_002778.4(PSAP):c.128G>A (p.Gly43Glu)

Gene: PSAP (prosaposin; minus strand). Cytogenetic location: 10q22.1.
Variant type: single nucleotide variant.
Coding change: c.128G>A on transcript NM_002778.4 (MANE Select); coding-DNA position 128, G replaced by A.
Protein change: p.Gly43Glu; replaces glycine 43 with glutamic acid.
Molecular consequence: missense variant.
Genome position (GRCh38, 1-based): chr10:71,834,418, C>T on the plus strand (G>A on the coding strand, the complement: PSAP is on the minus strand). VCF-style: chr10-71834418-C-T. GRCh37 (hg19) VCF-style: chr10-73594175-C-T.
Other names: c.128G>A (NM_002778.2); c.128G>A, p.Gly43Glu (NM_001042465.3, NM_001042466.3); short protein forms G43E.
Identifiers: ClinVar variation 444223 (VCV000444223.54), dbSNP rs558427025, ClinGen allele CA5547892.